The following is an entry in ClinVar:

ClinVar aggregate classification (germline): Likely benign (1 of 4 stars; one submission).

Allele frequency attached by ClinVar (database versions not stated): gnomAD exomes 0.00006; ExAC 0.00008; TOPMed 0.00008; gnomAD 0.00009.
gnomAD v4.1: 117 of 1,613,898 alleles (0.0072%); highest among the groups gnomAD compares: Non-Finnish European, 0.00068%; no homozygotes.

Submission:

CeGaT Center for Human Genetics Tuebingen
Classification: Likely benign. Last evaluated: 2024-01-01. Review status: criteria provided, single submitter. Criteria: CeGaT Center For Human Genetics Tuebingen Variant Classification Criteria Version 2. Collection method: clinical testing. Allele origin: germline. Affected: yes. Observed: 1 variant allele.
Comment: RABGGTB: BP4, BP7

NM_004582.4(RABGGTB):c.678A>G (p.Ser226=)

Gene: RABGGTB (Rab geranylgeranyltransferase subunit beta; plus strand). Cytogenetic location: 1p31.1.
Variant type: single nucleotide variant.
Coding change: c.678A>G on transcript NM_004582.4 (MANE Select); coding-DNA position 678, A replaced by G.
Protein change: p.Ser226=; no amino-acid change (serine 226 retained).
Molecular consequence: synonymous variant. On other transcripts: non-coding transcript variant (1).
Genome position (GRCh38, 1-based): chr1:75,792,279, A>G. VCF-style: chr1-75792279-A-G. GRCh37 (hg19) VCF-style: chr1-76257964-A-G.
Identifiers: ClinVar variation 3025688 (VCV003025688.22), dbSNP rs201456568, ClinGen allele CA913692.